The following is an entry in ClinVar:

ClinVar aggregate classification (germline): Benign/Likely benign. Review status: criteria provided, multiple submitters, no conflicts (2 of 4 stars). 4 submissions from 4 submitters: Benign (2); Likely benign (2). Last evaluated 2025-11-24.

Conditions:
Cardiovascular phenotype. Identifiers: MedGen CN230736.
Long QT syndrome (LQTS). Identifiers: MedGen C0023976, MeSH D008133, MONDO:0002442. Disease mechanism: loss of function. Inheritance: Various modes of inheritance.

Allele frequency attached by ClinVar (database versions not stated): gnomAD exomes 0.00002 and 0.00003; ExAC 0.00003; gnomAD 0.00003 and 0.00004; TOPMed 0.00003.
gnomAD v4.1: 55 of 1,613,236 alleles (0.0034%); highest among the groups gnomAD compares: Non-Finnish European, 0.0045%; no homozygotes.

Submissions (4):

Labcorp Genetics (formerly Invitae), Labcorp
Classification: Likely benign for Long QT syndrome. Last evaluated: 2025-11-24. Review status: criteria provided, single submitter. Criteria: Invitae Variant Classification Sherloc (09022015). Collection method: clinical testing. Allele origin: germline.

Ambry Genetics
Classification: Benign for Cardiovascular phenotype. Last evaluated: 2021-10-20. Review status: criteria provided, single submitter. Criteria: Ambry Variant Classification Scheme 2023. Collection method: clinical testing. Allele origin: germline.

CeGaT Center for Human Genetics Tuebingen
Classification: Likely benign. Last evaluated: 2021-05-01. Review status: criteria provided, single submitter. Criteria: CeGaT Center For Human Genetics Tuebingen Variant Classification Criteria Version 2. Collection method: clinical testing. Allele origin: germline. Affected: yes. Observed: 1 variant allele.

GeneDx
Classification: Benign. Last evaluated: 2014-05-17. Review status: criteria provided, single submitter. Criteria: GeneDx Variant Classification (06012015). Collection method: clinical testing. Allele origin: germline. Affected: yes.
Comment: This variant is considered likely benign or benign based on one or more of the following criteria: it is a conservative change, it occurs at a poorly conserved position in the protein, it is predicted to be benign by multiple in silico algorithms, and/or has population frequency not consistent with disease.

NM_000719.7(CACNA1C):c.4170C>T (p.Thr1390=)

Gene: CACNA1C (calcium voltage-gated channel subunit alpha1 C; plus strand). Cytogenetic location: 12p13.33.
Variant type: single nucleotide variant.
Coding change: c.4170C>T on transcript NM_000719.7 (MANE Select); coding-DNA position 4170, C replaced by T.
Protein change: p.Thr1390=; no amino-acid change (threonine 1390 retained).
Molecular consequence: synonymous variant.
Genome position (GRCh38, 1-based): chr12:2,655,176, C>T. VCF-style: chr12-2655176-C-T. GRCh37 (hg19) VCF-style: chr12-2764342-C-T.
Other names: p.T1390T:ACC>ACT; c.4314C>T, p.Thr1438= (NM_001129827.2, NM_199460.4); c.4236C>T, p.Thr1412= (NM_001129829.2); c.4170C>T, p.Thr1390= (NM_001129830.3, NM_001129833.2, NM_001129834.2 and 7 more transcripts); c.4254C>T, p.Thr1418= (NM_001129831.2); c.4230C>T, p.Thr1410= (NM_001129832.2); c.4221C>T, p.Thr1407= (NM_001129836.2); c.4137C>T, p.Thr1379= (NM_001129837.2, NM_001129838.2, NM_001129846.2 and 1 more transcripts); and 2 more.
Identifiers: ClinVar variation 136625 (VCV000136625.47), dbSNP rs587780878, ClinGen allele CA289858.
Genomic context (GRCh38, chr12:2,655,176, plus strand): 5'-TCACTGAACACCTCTTCCTTCTCTCTCCTAGGTGTTTGGGAAAATTGCCCTGAATGATAC[C>T]ACAGAGATCAACCGGAACAACAACTTTCAGACCTTCCCCCAGGCCGTGCTGCTCCTCTTC-3'
Protein context (NP_000710.5, residues 1380-1400): QVFGKIALND[Thr1390=]TEINRNNNFQ